The following is an entry in ClinVar:

ClinVar aggregate classification (germline): Likely pathogenic. Review status: criteria provided, multiple submitters, no conflicts (2 of 4 stars). 3 submissions from 3 submitters: Likely pathogenic (3). Last evaluated 2025-08-28.

Conditions:
COL3A1-related disorder. Also called: COL3A1-related condition.
Familial thoracic aortic aneurysm and aortic dissection (TAAD). Also called: Thoracic aortic aneurysms and dissections. Identifiers: Orphanet 91387, MedGen C4707243, MONDO:0019625.

Submissions (3):

Ambry Genetics
Classification: Likely pathogenic for Familial thoracic aortic aneurysm and aortic dissection. Last evaluated: 2025-08-28. Review status: criteria provided, single submitter. Criteria: Ambry Variant Classification Scheme 2023. Collection method: clinical testing. Allele origin: germline.
Comment: The p.G189S variant (also known as c.565G>A), located in coding exon 6 of the COL3A1 gene, results from a G to A substitution at nucleotide position 565. The glycine at codon 189 is replaced by serine, an amino acid with similar properties. The majority (approximately two-thirds) of COL3A1 mutations identified to date have involved the substitution of another amino acid for glycine within the triple-helical domain (Pepin MG et al. Genet Med. 2014;16(12):881-8; Frank M et al. Eur J Hum Genet. 2015;23(12):1657-64). This variant was reported in individual(s) with features consistent with vascular Ehlers-Danlos syndrome (Angwin C et al. Br J Dermatol, 2020 Mar;182:698-707; Omar R et al. Cell Death Discov, 2025 Apr;11:200). Internal structural analysis indicates that this alteration disrupts the characteristic G-X-Y motif in the COL3A1 protein and inserts a bulky side chain into a sterically-constrained region (Bella J et al. Science. 1994;266:75-81; Hohenester E et al. Proc. Natl. Acad. Sci. U.S.A. 2008;105:18273-7; Ambry internal data). This amino acid position is highly conserved in available vertebrate species. In addition, this alteration is predicted to be deleterious by in silico analysis. This variant is considered to be rare based on population cohorts in the Genome Aggregation Database (gnomAD). Based on the majority of available evidence to date, this variant is likely to be pathogenic.

Blueprint Genetics
Classification: Likely pathogenic for COL3A1-related disorders. Last evaluated: 2020-04-21. Review status: criteria provided, single submitter. Criteria: ACMG Guidelines, 2015. Collection method: clinical testing. Allele origin: germline. Affected: yes. Observed: 1 variant allele.

GeneDx
Classification: Likely pathogenic. Last evaluated: 2014-09-15. Review status: criteria provided, single submitter. Criteria: GeneDx Variant Classification (06012015). Collection method: clinical testing. Allele origin: germline. Affected: yes.
Comment: p.Gly189Ser (GGT>AGT): c.565 G>A in exon 6 of the COL3A1 gene (NM_000090.3) The Gly189Ser variant has not been published as a mutation, nor has it been reported as a benign polymorphism to our knowledge. The G189S variant was not observed in approximately 6,500 individuals of European and African American ancestry in the NHLBI Exome Sequencing Project, indicating it is not a common benign variant in these populations. The G189S variant is a non-conservative amino acid substitution, which is likely to impact secondary protein structure as these residues differ in polarity, charge, size and/or other properties. This substitution occurs at a position that is conserved across species. In silico analysis predicts this variant is probably damaging to the protein structure/function. Missense mutations in this same residue (G189R) and nearby residues (G183S, G183C, G183A, G183D, G192V) have been reported in association with Ehlers-Danlos type IV (Pepin et. al., 2014), supporting the functional importance of this region of the protein. Therefore, this variant is a strong candidate for a pathogenic mutation, however the possibility that it is a benign variant cannot be excluded. The variant is found in TAAD panel(s).

Literature cited by the submitters: PubMed 31141158 (cited by Ambry Genetics); PubMed 40280907 (cited by Ambry Genetics).

NM_000090.4(COL3A1):c.565G>A (p.Gly189Ser)

Gene: COL3A1 (collagen type III alpha 1 chain; plus strand). Cytogenetic location: 2q32.2.
Variant type: single nucleotide variant.
Coding change: c.565G>A on transcript NM_000090.4 (MANE Select); coding-DNA position 565, G replaced by A.
Protein change: p.Gly189Ser; replaces glycine 189 with serine.
Molecular consequence: missense variant.
Genome position (GRCh38, 1-based): chr2:188,988,117, G>A. VCF-style: chr2-188988117-G-A. GRCh37 (hg19) VCF-style: chr2-189852843-G-A.
Other names: p.G189S:GGT>AGT; short protein forms G189S.
Identifiers: ClinVar variation 199752 (VCV000199752.4), dbSNP rs587779507, ClinGen allele CA007000.